The following is an entry in ClinVar:

NM_198253.3(TERT):c.2131G>T (p.Val711Leu)

Gene: TERT (telomerase reverse transcriptase; minus strand). Cytogenetic location: 5p15.33.
Variant type: single nucleotide variant.
Coding change: c.2131G>T on transcript NM_198253.3 (MANE Select); coding-DNA position 2131, G replaced by T.
Protein change: p.Val711Leu; replaces valine 711 with leucine.
Molecular consequence: missense variant. On other transcripts: non-coding transcript variant (1).
Genome position (GRCh38, 1-based): chr5:1,278,796, C>A on the plus strand (G>T on the coding strand, the complement: TERT is on the minus strand). VCF-style: chr5-1278796-C-A. GRCh37 (hg19) VCF-style: chr5-1278911-C-A.
Other names: c.2131G>T, p.Val711Leu (NM_001193376.3, NM_003219.1); short protein forms V711L.
Identifiers: ClinVar variation 1991179 (VCV001991179.4), dbSNP rs2478269559, ClinGen allele CA359079756.

ClinVar aggregate classification (germline): Uncertain significance (1 of 4 stars; one submission).

Conditions:
Idiopathic Pulmonary Fibrosis. Also called: Idiopathic fibrosing alveolitis, chronic form; idiopathic fibrosing alveolitis. Identifiers: Orphanet 2032, MedGen C1800706, MeSH D054990, MONDO:0800504.
Dyskeratosis congenita, autosomal dominant 2. Identifiers: MedGen C3151443, MONDO:0013521, OMIM 613989.

Allele frequency attached by ClinVar (database versions not stated): gnomAD exomes below 0.00001.
gnomAD v4.1: 1 of 1,614,054 alleles (0.000062%); highest among the groups gnomAD compares: Non-Finnish European, 0.000085%; no homozygotes.

Submission:

Labcorp Genetics (formerly Invitae), Labcorp
Classification: Uncertain significance for Dyskeratosis congenita, autosomal dominant 2; Idiopathic Pulmonary Fibrosis. Last evaluated: 2022-10-12. Review status: criteria provided, single submitter. Criteria: Invitae Variant Classification Sherloc (09022015). Collection method: clinical testing. Allele origin: germline.
Comment: In summary, the available evidence is currently insufficient to determine the role of this variant in disease. Therefore, it has been classified as a Variant of Uncertain Significance. Algorithms developed to predict the effect of sequence changes on RNA splicing suggest that this variant may create or strengthen a splice site. Algorithms developed to predict the effect of missense changes on protein structure and function (SIFT, PolyPhen-2, Align-GVGD) all suggest that this variant is likely to be tolerated. This variant has not been reported in the literature in individuals affected with TERT-related conditions. This variant is not present in population databases (gnomAD no frequency). This sequence change replaces valine, which is neutral and non-polar, with leucine, which is neutral and non-polar, at codon 711 of the TERT protein (p.Val711Leu).